The following is an entry in ClinVar:

ClinVar aggregate classification (germline): Conflicting classifications of pathogenicity. Review status: criteria provided, conflicting classifications (1 of 4 stars). 13 submissions from 13 submitters: Uncertain significance (1); Benign (2); Likely benign (7). 3 of the submissions do not count toward it. Last evaluated 2026-01-01.

Conditions:
Classic or attenuated familial adenomatous polyposis. Identifiers: MedGen CN372698, MONDO:0021057.
APC-related disorder. Also called: APC-related condition.
Hereditary cancer-predisposing syndrome. Also called: Tumor predisposition; Neoplastic Syndromes, Hereditary; Hereditary Cancer Syndrome; Hereditary neoplastic syndrome. Identifiers: Orphanet 140162, MedGen C0027672, MeSH D009386, MONDO:0015356.
Familial adenomatous polyposis 1 (FAP1). Also called: POLYPOSIS, ADENOMATOUS INTESTINAL; FAMILIAL ADENOMATOUS POLYPOSIS 1, ATTENUATED. Identifiers: MedGen C2713442, MONDO:0021056, OMIM 175100. Disease mechanism: loss of function.

Allele frequency attached by ClinVar (database versions not stated): ExAC 0.00001; gnomAD exomes 0.00002; TOPMed 0.00004; gnomAD 0.00005.
gnomAD v4.1: 41 of 1,613,746 alleles (0.0025%); highest among the groups gnomAD compares: Middle Eastern, 0.049%; no homozygotes.

Submissions (13):

CeGaT Center for Human Genetics Tuebingen
Classification: Likely benign. Last evaluated: 2026-01-01. Review status: criteria provided, single submitter. Criteria: CeGaT Center For Human Genetics Tuebingen Variant Classification Criteria Version 2. Collection method: clinical testing. Allele origin: germline. Affected: yes. Observed: 4 variant alleles.
Comment: APC: BP4

Labcorp Genetics (formerly Invitae), Labcorp
Classification: Likely benign for Familial adenomatous polyposis 1. Last evaluated: 2025-12-01. Review status: criteria provided, single submitter. Criteria: Invitae Variant Classification Sherloc (09022015). Collection method: clinical testing. Allele origin: germline.

Quest Diagnostics Nichols Institute San Juan Capistrano
Classification: Uncertain significance. Last evaluated: 2025-10-17. Review status: criteria provided, single submitter. Criteria: Quest Diagnostics criteria. Collection method: clinical testing. Allele origin: unknown.
Comment: The APC c.7986G>A (p.Glu2662=) synonymous variant has not been reported as a germline variant in individuals with APC-related conditions in the published literature. The frequency of this variant in the general population (Genome Aggregation Database) is uninformative in the assessment of its pathogenicity. Analysis of this variant using software algorithms for the prediction of the effect of nucleotide changes on splicing yielded predictions that this variant does not affect APC mRNA splicing. Based on the available information, we are unable to determine the clinical significance of this variant.

All of Us Research Program, National Institutes of Health
Classification: Likely benign for Classic or attenuated familial adenomatous polyposis. Last evaluated: 2024-02-05. Review status: criteria provided, single submitter. Criteria: ACMG Guidelines, 2015. Collection method: clinical testing. Allele origin: germline. Inheritance: Autosomal dominant inheritance. Observed: 12 variant alleles, 12 heterozygotes.
Comment: This study involves interpretation of variants in research participants for the purpose of population health screening. Participant phenotype was not available at the time of variant classification. Additional details can be found in publication PMID: 35346344, PMCID: PMC8962531

Myriad Genetics, Inc.
Classification: Benign for Familial adenomatous polyposis 1. Last evaluated: 2023-02-17. Review status: criteria provided, single submitter. Criteria: Myriad Autosomal Dominant, Autosomal Recessive and X-Linked Classification Criteria (2023). Collection method: clinical testing. Allele origin: unknown.
Comment: This variant is considered benign. This variant is a silent/synonymous amino acid change and it is not expected to impact splicing.

Sema4
Classification: Likely benign for Hereditary cancer-predisposing syndrome. Last evaluated: 2021-05-10. Review status: criteria provided, single submitter. Criteria: Sema4 Curation Guidelines. Collection method: curation. Allele origin: germline.

Women's Health and Genetics/Laboratory Corporation of America, LabCorp
Classification: Likely benign. Last evaluated: 2019-08-20. Review status: criteria provided, single submitter. Criteria: LabCorp Variant Classification Summary - May 2015. Collection method: clinical testing. Allele origin: germline.

Color Diagnostics, LLC DBA Color Health
Classification: Likely benign for Hereditary cancer-predisposing syndrome. Last evaluated: 2016-11-28. Review status: criteria provided, single submitter. Criteria: ACMG Guidelines, 2015. Collection method: clinical testing. Allele origin: germline.

GeneDx
Classification: Benign. Last evaluated: 2015-03-03. Review status: criteria provided, single submitter. Criteria: GeneDx Variant Classification Process June 2021. Collection method: clinical testing. Allele origin: germline. Affected: yes.

Ambry Genetics
Classification: Likely benign for Hereditary cancer-predisposing syndrome. Last evaluated: 2014-10-20. Review status: criteria provided, single submitter. Criteria: Ambry Variant Classification Scheme 2023. Collection method: clinical testing. Allele origin: germline.

PreventionGenetics, part of Exact Sciences
Classification: Likely benign for APC-related condition. Last evaluated: 2019-10-25. Review status: no assertion criteria provided. Collection method: clinical testing. Allele origin: germline. Not counted in ClinVar's aggregate classification.
Comment: This variant is classified as likely benign based on ACMG/AMP sequence variant interpretation guidelines (Richards et al. 2015 PMID: 25741868, with internal and published modifications).

Counsyl
Classification: Likely benign for Familial adenomatous polyposis 1. Last evaluated: 2016-07-09. Review status: no assertion criteria provided. Collection method: clinical testing. Allele origin: unknown. Not counted in ClinVar's aggregate classification.

Department of Pathology and Laboratory Medicine, Sinai Health System
Classification: Uncertain significance. Review status: no assertion criteria provided. Collection method: clinical testing. Allele origin: unknown. Affected: yes. Study: The Canadian Open Genetics Repository (COGR). Not counted in ClinVar's aggregate classification.

Literature cited by the submitters: PubMed 28569743 (cited by Quest Diagnostics Nichols Institute San Juan Capistrano); PubMed 39284955 (cited by Quest Diagnostics Nichols Institute San Juan Capistrano).

NM_000038.6(APC):c.7986G>A (p.Glu2662=)

Gene: APC (APC regulator of Wnt signaling pathway; plus strand). Cytogenetic location: 5q22.2.
Variant type: single nucleotide variant.
Coding change: c.7986G>A on transcript NM_000038.6 (MANE Select); coding-DNA position 7986, G replaced by A.
Protein change: p.Glu2662=; no amino-acid change (glutamic acid 2662 retained).
Molecular consequence: synonymous variant.
Genome position (GRCh38, 1-based): chr5:112,843,580, G>A. VCF-style: chr5-112843580-G-A. GRCh37 (hg19) VCF-style: chr5-112179277-G-A.
Other names: c.7986G>A, p.Glu2662= (NM_001127510.3, NM_001354895.2); c.7932G>A, p.Glu2644= (NM_001127511.3); c.8040G>A, p.Glu2680= (NM_001354896.2); c.8016G>A, p.Glu2672= (NM_001354897.2); c.7911G>A, p.Glu2637= (NM_001354898.2); c.7902G>A, p.Glu2634= (NM_001354899.2); c.7863G>A, p.Glu2621= (NM_001354900.2); c.7809G>A, p.Glu2603= (NM_001354901.2); and 5 more.
Identifiers: ClinVar variation 184432 (VCV000184432.59), dbSNP rs571645304, ClinGen allele CA014222.